The following is an entry in ClinVar:

ClinVar aggregate classification (germline): Likely benign (1 of 4 stars; one submission).

gnomAD v4.1: 27 of 1,614,094 alleles (0.0017%); highest among the groups gnomAD compares: Non-Finnish European, 0.0022%; no homozygotes.

Submission:

CeGaT Center for Human Genetics Tuebingen
Classification: Likely benign. Last evaluated: 2026-03-01. Review status: criteria provided, single submitter. Criteria: CeGaT Center For Human Genetics Tuebingen Variant Classification Criteria Version 2. Collection method: clinical testing. Allele origin: germline. Affected: yes. Observed: 1 variant allele.
Comment: LSM11: BP4, BP7

NM_173491.4(LSM11):c.1038T>A (p.Ile346=)

Gene: LSM11 (LSM11, U7 small nuclear RNA associated; plus strand). Cytogenetic location: 5q33.3.
Variant type: single nucleotide variant.
Coding change: c.1038T>A on transcript NM_173491.4 (MANE Select); coding-DNA position 1038, T replaced by A.
Protein change: p.Ile346=; no amino-acid change (isoleucine 346 retained).
Molecular consequence: synonymous variant.
Genome position (GRCh38, 1-based): chr5:157,755,219, T>A. VCF-style: chr5-157755219-T-A. GRCh37 (hg19) VCF-style: chr5-157182227-T-A.
Identifiers: ClinVar variation 4534282 (VCV004534282.6).